The following is an entry in ClinVar:

ClinVar aggregate classification (germline): Uncertain significance. Review status: criteria provided, multiple submitters, no conflicts (2 of 4 stars). 2 submissions from 2 submitters: Uncertain significance (2). Last evaluated 2025-02-24.

Conditions:
Early-infantile DEE. Also called: Ohtahara syndrome; Early infantile epileptic encephalopathy with suppression bursts; Early infantile epileptic encephalopathy. Identifiers: Orphanet 1934, MedGen C0393706, MONDO:0800491.

Allele frequency attached by ClinVar (database versions not stated): gnomAD exomes below 0.00001 and 0.00002; ExAC 0.00002; gnomAD 0.00006; ESP Exome Variant Server 0.00008; TOPMed 0.00012.
gnomAD v4.1: 18 of 1,613,726 alleles (0.0011%); highest among the groups gnomAD compares: African/African-American, 0.017%; no homozygotes.

Submissions (2):

Labcorp Genetics (formerly Invitae), Labcorp
Classification: Uncertain significance for Early-infantile DEE. Last evaluated: 2025-02-24. Review status: criteria provided, single submitter. Criteria: Invitae Variant Classification Sherloc (09022015). Collection method: clinical testing. Allele origin: germline.
Comment: This sequence change replaces proline, which is neutral and non-polar, with alanine, which is neutral and non-polar, at codon 130 of the ARHGEF15 protein (p.Pro130Ala). This variant is present in population databases (rs368543027, gnomAD 0.02%). This variant has not been reported in the literature in individuals affected with ARHGEF15-related conditions. ClinVar contains an entry for this variant (Variation ID: 1057508). An algorithm developed to predict the effect of missense changes on protein structure and function outputs the following: PolyPhen-2: "Probably Damaging". The alanine amino acid residue is found in multiple mammalian species, which suggests that this missense change does not adversely affect protein function. In summary, the available evidence is currently insufficient to determine the role of this variant in disease. Therefore, it has been classified as a Variant of Uncertain Significance.

Ambry Genetics
Classification: Uncertain significance. Last evaluated: 2022-07-20. Review status: criteria provided, single submitter. Criteria: Ambry Variant Classification Scheme 2023. Collection method: clinical testing. Allele origin: germline.

NM_173728.4(ARHGEF15):c.388C>G (p.Pro130Ala)

Gene: ARHGEF15 (Rho guanine nucleotide exchange factor 15; plus strand). Cytogenetic location: 17p13.1.
Variant type: single nucleotide variant.
Coding change: c.388C>G on transcript NM_173728.4 (MANE Select); coding-DNA position 388, C replaced by G.
Protein change: p.Pro130Ala; replaces proline 130 with alanine.
Molecular consequence: missense variant.
Genome position (GRCh38, 1-based): chr17:8,312,427, C>G. VCF-style: chr17-8312427-C-G. GRCh37 (hg19) VCF-style: chr17-8215745-C-G.
Other names: c.388C>G, p.Pro130Ala (NM_025014.2); c.388C>G (NM_173728.3); short protein forms P130A.
Identifiers: ClinVar variation 1057508 (VCV001057508.9), dbSNP rs368543027, ClinGen allele CA8374850.